The following is an entry in ClinVar:

ClinVar aggregate classification (germline): Uncertain significance. Review status: criteria provided, multiple submitters, no conflicts (2 of 4 stars). 2 submissions from 2 submitters: Uncertain significance (2). Last evaluated 2026-06-15.

Conditions:
Inborn genetic diseases. Identifiers: MedGen C0950123, MeSH D030342.
Fanconi anemia (FA). Also called: Fanconi's anemia. Identifiers: Orphanet 84, MedGen C0015625, MeSH D005199, MONDO:0019391.

Allele frequency attached by ClinVar (database versions not stated): ExAC 0.00002; gnomAD exomes 0.00001.
gnomAD v4.1: 4 of 1,613,960 alleles (0.00025%); highest among the groups gnomAD compares: South Asian, 0.0044%; no homozygotes.

Submissions (2):

Ambry Genetics
Classification: Uncertain significance for Inborn genetic diseases. Last evaluated: 2026-06-15. Review status: criteria provided, single submitter. Criteria: Ambry Variant Classification Scheme 2023. Collection method: clinical testing. Allele origin: germline.
Comment: The p.E650A variant (also known as c.1949A>C), located in coding exon 11 of the FANCM gene, results from an A to C substitution at nucleotide position 1949. The glutamic acid at codon 650 is replaced by alanine, an amino acid with dissimilar properties. This amino acid position is conserved. In addition, this alteration is predicted to be tolerated by in silico analysis. Based on the available evidence, the clinical significance of this variant remains unclear.

Labcorp Genetics (formerly Invitae), Labcorp
Classification: Uncertain significance for Fanconi anemia. Last evaluated: 2021-05-09. Review status: criteria provided, single submitter. Criteria: Invitae Variant Classification Sherloc (09022015). Collection method: clinical testing. Allele origin: germline.
Comment: In summary, the available evidence is currently insufficient to determine the role of this variant in disease. Therefore, it has been classified as a Variant of Uncertain Significance. Algorithms developed to predict the effect of missense changes on protein structure and function output the following: SIFT: "Tolerated"; PolyPhen-2: "Benign"; Align-GVGD: "Class C0". The alanine amino acid residue is found in multiple mammalian species, suggesting that this missense change does not adversely affect protein function. These predictions have not been confirmed by published functional studies and their clinical significance is uncertain. This variant has not been reported in the literature in individuals with FANCM-related conditions. This variant is present in population databases (rs771567101, ExAC 0.01%). This sequence change replaces glutamic acid with alanine at codon 650 of the FANCM protein (p.Glu650Ala). The glutamic acid residue is weakly conserved and there is a moderate physicochemical difference between glutamic acid and alanine.

NM_020937.4(FANCM):c.1949A>C (p.Glu650Ala)

Gene: FANCM (FA complementation group M; plus strand). Cytogenetic location: 14q21.2.
Variant type: single nucleotide variant.
Coding change: c.1949A>C on transcript NM_020937.4 (MANE Select); coding-DNA position 1949, A replaced by C.
Protein change: p.Glu650Ala; replaces glutamic acid 650 with alanine.
Molecular consequence: missense variant.
Genome position (GRCh38, 1-based): chr14:45,167,110, A>C. VCF-style: chr14-45167110-A-C. GRCh37 (hg19) VCF-style: chr14-45636313-A-C.
Other names: c.1871A>C, p.Glu624Ala (NM_001308133.2); c.1949A>C, p.Glu650Ala (NM_001308134.2); c.1949A>C (NM_020937.2); short protein forms E624A, E650A.
Identifiers: ClinVar variation 1448256 (VCV001448256.9), dbSNP rs771567101, ClinGen allele CA7169188.